The following is an entry in ClinVar:

NM_000478.6(ALPL):c.242del (p.Pro81fs)

Gene: ALPL (alkaline phosphatase, biomineralization associated; plus strand). Cytogenetic location: 1p36.12.
Variant type: Deletion.
Coding change: c.242del on transcript NM_000478.6 (MANE Select); coding-DNA position 242, one base deleted (C; older notation c.242delC).
Protein change: p.Pro81fs; shifts the reading frame from proline 81.
Molecular consequence: frameshift variant. On other transcripts: intron variant (1).
Genome position (GRCh38, 1-based): chr1:21,561,157, C deleted; the last of 3 consecutive C bases (chr1:21,561,155-21,561,157); deleting any one gives the same sequence. VCF-style (leftmost placement, unchanged base first): chr1-21561154-AC-A. GRCh37 (hg19) VCF-style: chr1-21887647-AC-A.
Other names: c.242del, p.Pro81fs (NM_001369805.2, NM_001369803.2, NM_001369804.2); c.66+412del (NM_001177520.3); c.77del, p.Pro26fs (NM_001127501.4); short protein forms P26fs, P81fs.
Identifiers: ClinVar variation 4086918 (VCV004086918.2).

ClinVar aggregate classification (germline): Pathogenic. Review status: criteria provided, multiple submitters, no conflicts (2 of 4 stars). 2 submissions from 2 submitters: Pathogenic (2). Last evaluated 2025-10-23.

Conditions:
Hypophosphatasia. Also called: Phosphoethanol-aminuria. Identifiers: Orphanet 436, MedGen C0020630, MeSH D007014, MONDO:0018570.

Submissions (2):

JKU Lab, Dept of Paediatrics, Johannes Kepler University
Classification: Pathogenic for Hypophosphatasia. Last evaluated: 2025-10-23. Review status: criteria provided, single submitter. Criteria: ACMG Guidelines, 2015. Collection method: curation. Allele origin: germline. Affected: yes.
Comment: This frameshift variant is not present in GnomAD 4.1. REVEL score not applicable. Splice-prediction algorithms predict no effect on splicing. This variant has been reported in the literature in individuals affected with ALPL-related conditions (PMID:32973344, 32160374 ).

Genomenon, Inc
Classification: Pathogenic for Hypophosphatasia. Last evaluated: 2025-08-29. Review status: criteria provided, single submitter. Criteria: Genomenon Sequence Variant Interpretation Standards. Collection method: curation. Allele origin: germline. Affected: yes.
Comment: ALPL p.Pro81LeufsTer41 (c.242del) is a frameshift variant that results in the production of a truncated protein which is predicted to undergo nonsense-mediated mRNA decay. This variant has been observed in a proband affected with hypophosphatasia (PMID:32160374). It is absent or not present at a significant frequency in gnomAD. In conclusion, we classify ALPL p.Pro81LeufsTer41 (c.242del) as a pathogenic variant.

Literature cited by the submitters: PubMed 32973344 (cited by JKU Lab, Dept of Paediatrics, Johannes Kepler University); PubMed 32160374 (cited by JKU Lab, Dept of Paediatrics, Johannes Kepler University and Genomenon, Inc).